The following is an entry in ClinVar:

ClinVar aggregate classification (germline): Likely benign. Review status: criteria provided, multiple submitters, no conflicts (2 of 4 stars). 3 submissions from 3 submitters: Likely benign (2). 1 of the submissions does not count toward it. Last evaluated 2026-05-01.

Conditions:
DNAH10-related disorder. Also called: DNAH10-related condition.

gnomAD v4.1: 1,065 of 1,613,882 alleles (0.066%); highest among the groups gnomAD compares: Non-Finnish European, 0.078%; 2 homozygotes.

Submissions (3):

CeGaT Center for Human Genetics Tuebingen
Classification: Likely benign. Last evaluated: 2026-05-01. Review status: criteria provided, single submitter. Criteria: CeGaT Center For Human Genetics Tuebingen Variant Classification Criteria Version 2. Collection method: clinical testing. Allele origin: germline. Affected: yes. Observed: 2 variant alleles.
Comment: DNAH10: BP4

Blueprint Genetics
Classification: Likely benign. Last evaluated: 2024-11-26. Review status: criteria provided, single submitter. Criteria: ACMG Guidelines, 2015. Collection method: clinical testing. Allele origin: germline.

PreventionGenetics, part of Exact Sciences
Classification: Uncertain significance for DNAH10-related condition. Last evaluated: 2024-05-29. Review status: no assertion criteria provided. Collection method: clinical testing. Allele origin: germline. Not counted in ClinVar's aggregate classification.
Comment: The DNAH10 c.13243A>G variant is predicted to result in the amino acid substitution p.Ile4415Val. To our knowledge, this variant has not been reported in the literature. This variant is reported in 0.14% of alleles in individuals of European (Finnish) descent in gnomAD. Although we suspect that this variant may be benign, at this time, the clinical significance of this variant is uncertain due to the absence of conclusive functional and genetic evidence.

NM_001372106.1(DNAH10):c.13597A>G (p.Ile4533Val)

Genes: DNAH10 (dynein axonemal heavy chain 10; plus strand), DNAH10OS (dynein axonemal heavy chain 10 opposite strand; minus strand). Cytogenetic location: 12q24.31.
Variant type: single nucleotide variant.
Coding change: c.13597A>G on transcript NM_001372106.1 (MANE Select); coding-DNA position 13597, A replaced by G.
Protein change: p.Ile4533Val; replaces isoleucine 4533 with valine.
Molecular consequence: missense variant.
Genome position (GRCh38, 1-based): chr12:123,934,740, A>G. VCF-style: chr12-123934740-A-G. GRCh37 (hg19) VCF-style: chr12-124419287-A-G.
Other names: c.13243A>G, p.Ile4415Val (NM_207437.3); short protein forms I4415V, I4533V.
Identifiers: ClinVar variation 3355291 (VCV003355291.6).